The following is an entry in ClinVar:

NM_000048.4(ASL):c.748A>G (p.Met250Val)

Gene: ASL (argininosuccinate lyase; plus strand). Cytogenetic location: 7q11.21.
Variant type: single nucleotide variant.
Coding change: c.748A>G on transcript NM_000048.4 (MANE Select); coding-DNA position 748, A replaced by G.
Protein change: p.Met250Val; replaces methionine 250 with valine.
Molecular consequence: missense variant.
Genome position (GRCh38, 1-based): chr7:66,088,836, A>G. VCF-style: chr7-66088836-A-G. GRCh37 (hg19) VCF-style: chr7-65553823-A-G.
Other names: c.748A>G, p.Met250Val (NM_001024943.2, NM_001024944.2); c.670A>G, p.Met224Val (NM_001024946.2); short protein forms M250V, M224V.
Identifiers: ClinVar variation 910640 (VCV000910640.4), dbSNP rs374908945, ClinGen allele CA4277123.
Genomic context (GRCh38, chr7:66,088,836, plus strand): 5'-AGGCCTGGTGACTGGGAACCTTTTCTCCCAGCCGAGTTCCTGTTCTGGGCTTCGCTGTGC[A>G]TGACCCATCTCAGCAGGATGGCCGAGGACCTCATCCTCTACTGCACCAAGGAATTCAGCT-3'
Protein context (NP_000039.2, residues 240-260): AEFLFWASLC[Met250Val]THLSRMAEDL

ClinVar aggregate classification (germline): Uncertain significance (1 of 4 stars; one submission).

Conditions:
Argininosuccinate lyase deficiency. Also called: ARGININOSUCCINIC ACID LYASE DEFICIENCY; ASL DEFICIENCY; Argininosuccinic aciduria. Identifiers: Orphanet 23, MedGen C0268547, MONDO:0008815, OMIM 207900, HP:0025630.

Allele frequency attached by ClinVar (database versions not stated): ExAC 0.00001; gnomAD 0.00002 and 0.00003; gnomAD exomes 0.00002 and 0.00009; TOPMed 0.00002; ESP Exome Variant Server 0.00008.

Submission:

Illumina Laboratory Services, Illumina
Classification: Uncertain significance for Argininosuccinate lyase deficiency. Last evaluated: 2017-05-26. Review status: criteria provided, single submitter. Criteria: ICSL Variant Classification Criteria 13 December 2019. Collection method: clinical testing. Allele origin: germline.
Comment: This variant was observed as part of a predisposition screen in an ostensibly healthy population. A literature search was performed for the gene, cDNA change, and amino acid change (where applicable). Publications were found based on this search. However, the evidence from the literature, in combination with allele frequency data from public databases where available, was not sufficient to rule this variant in or out of causing disease. Therefore, this variant is classified as a variant of unknown significance.

Literature cited by the submitters: PubMed 24166829.